The following is an entry in ClinVar:

ClinVar aggregate classification (germline): Uncertain significance (1 of 4 stars; one submission).

Conditions:
Hereditary cancer-predisposing syndrome. Also called: Neoplastic Syndromes, Hereditary; Tumor predisposition; Hereditary Cancer Syndrome; Hereditary neoplastic syndrome. Identifiers: Orphanet 140162, MedGen C0027672, MeSH D009386, MONDO:0015356.

Submission:

Ambry Genetics
Classification: Uncertain significance for Hereditary cancer-predisposing syndrome. Last evaluated: 2022-07-11. Review status: criteria provided, single submitter. Criteria: Ambry Variant Classification Scheme 2023. Collection method: clinical testing. Allele origin: germline.
Comment: The c.3040-3delC intronic variant, located in intron 18 of the RET gene, results from a deletion of one nucleotide within intron 18 of the RET gene. This nucleotide position is not well conserved in available vertebrate species. In silico splice site analysis predicts that this alteration will not have any significant effect on splicing. Since supporting evidence is limited at this time, the clinical significance of this alteration remains unclear.

NM_020975.6(RET):c.3040-3del

Gene: RET (ret proto-oncogene; plus strand). Cytogenetic location: 10q11.21.
Variant type: Deletion.
Coding change: c.3040-3del on transcript NM_020975.6 (MANE Select); 3 bases into the intron before coding-DNA position 3040, one base deleted (C; older notation c.3040-3delC).
Molecular consequence: intron variant.
Genome position (GRCh38, 1-based): chr10:43,126,572, C deleted; the last of 2 consecutive C bases (chr10:43,126,571-43,126,572); deleting either gives the same sequence. VCF-style (leftmost placement, unchanged base first): chr10-43126570-TC-T. GRCh37 (hg19) VCF-style: chr10-43622018-TC-T.
Other names: c.3040-3del (NM_020630.7, NM_001406743.1, NM_001406744.1 and 2 more transcripts); c.2905-3del (NM_001406765.1, NM_001406763.1); c.2644-3del (NM_001406772.1, NM_001406769.1); c.2602-3del (NM_001406773.1, NM_001406771.1); c.2143-3del (NM_001406782.1, NM_001406780.1, NM_001406779.1 and 1 more transcripts); c.2008-3del (NM_001406787.1); c.2023-3del (NM_001406785.1); c.2911-3del (NM_001406764.1, NM_001406762.1, NM_001406761.1); and 10 more.
Identifiers: ClinVar variation 1799157 (VCV001799157.2), dbSNP rs2538640410, ClinGen allele CA2580081480.